The following is an entry in ClinVar:

NM_006231.4(POLE):c.596G>T (p.Gly199Val)

Gene: POLE (DNA polymerase epsilon, catalytic subunit; minus strand). Cytogenetic location: 12q24.33.
Variant type: single nucleotide variant.
Coding change: c.596G>T on transcript NM_006231.4 (MANE Select); coding-DNA position 596, G replaced by T.
Protein change: p.Gly199Val; replaces glycine 199 with valine.
Molecular consequence: missense variant.
Genome position (GRCh38, 1-based): chr12:132,677,702, C>A on the plus strand (G>T on the coding strand, the complement: POLE is on the minus strand). VCF-style: chr12-132677702-C-A. GRCh37 (hg19) VCF-style: chr12-133254288-C-A.
Other names: short protein forms G199V.
Identifiers: ClinVar variation 648435 (VCV000648435.14), dbSNP rs1593082154, ClinGen allele CA387365431.

ClinVar aggregate classification (germline): Conflicting classifications of pathogenicity. Review status: criteria provided, conflicting classifications (1 of 4 stars). 2 submissions from 2 submitters: Uncertain significance (1); Likely benign (1). Last evaluated 2025-04-21.

Conditions:
Hereditary cancer-predisposing syndrome. Also called: Neoplastic Syndromes, Hereditary; Tumor predisposition; Hereditary Cancer Syndrome; Hereditary neoplastic syndrome. Identifiers: Orphanet 140162, MedGen C0027672, MeSH D009386, MONDO:0015356.

Submissions (2):

Labcorp Genetics (formerly Invitae), Labcorp
Classification: Uncertain significance. Last evaluated: 2025-04-21. Review status: criteria provided, single submitter. Criteria: Invitae Variant Classification Sherloc (09022015). Collection method: clinical testing. Allele origin: germline.
Comment: This sequence change replaces glycine, which is neutral and non-polar, with valine, which is neutral and non-polar, at codon 199 of the POLE protein (p.Gly199Val). This variant is not present in population databases (gnomAD no frequency). This variant has not been reported in the literature in individuals affected with POLE-related conditions. ClinVar contains an entry for this variant (Variation ID: 648435). An algorithm developed to predict the effect of missense changes on protein structure and function (PolyPhen-2) suggests that this variant is likely to be tolerated. In summary, the available evidence is currently insufficient to determine the role of this variant in disease. Therefore, it has been classified as a Variant of Uncertain Significance.

Ambry Genetics
Classification: Likely benign for Hereditary cancer-predisposing syndrome. Last evaluated: 2025-03-13. Review status: criteria provided, single submitter. Criteria: Ambry Variant Classification Scheme 2023. Collection method: clinical testing. Allele origin: germline.